The following is an entry in ClinVar:

ClinVar aggregate classification (germline): Uncertain significance. Review status: criteria provided, multiple submitters, no conflicts (2 of 4 stars). 3 submissions from 3 submitters: Uncertain significance (3). Last evaluated 2026-02-01.

Conditions:
Inborn genetic diseases. Identifiers: MedGen C0950123, MeSH D030342.
Imerslund-Grasbeck syndrome type 1 (IGS1). Also called: Imerslund-Gräsbeck syndrome 1; Megaloblastic anemia 1, Finnish type; MEGALOBLASTIC ANEMIA, 1. Identifiers: MedGen C4016819, MONDO:0100156, OMIM 261100.
CUBN-related disorder. Also called: CUBN-related condition.

Allele frequency attached by ClinVar (database versions not stated): gnomAD exomes 0.00001; ExAC 0.00002; ESP Exome Variant Server 0.00008; gnomAD 0.00013; TOPMed 0.00015.
gnomAD v4.1: 37 of 1,613,652 alleles (0.0023%); highest among the groups gnomAD compares: African/African-American, 0.04%; no homozygotes.

Submissions (3):

Clinical Genomics Laboratory, Washington University in St. Louis
Classification: Uncertain significance for Imerslund-Grasbeck syndrome type 1. Last evaluated: 2026-02-01. Review status: criteria provided, single submitter. Criteria: ACMG Guidelines, 2015. Collection method: clinical testing. Allele origin: germline.
Comment: A CUBN c.2845C>T (p.Pro949Ser) variant was identified in a heterozygous state. This variant, to our knowledge, has not been reported in the medical literature but has been reported in the ClinVar database a variant of uncertain significance by two submitters (ClinVar Variation ID: 2634353). It is only observed on 11/282,516 alleles in the general population (gnomAD v2.1.1), indicating it is not a common variant. Computational predictors are uncertain as to the impact of this variant on CUBN function. Due to limited information, and based on ACMG/AMP guidelines for variant interpretation (Richards S et al., PMID: 25741868), the clinical significance of this variant is uncertain at this time.

Ambry Genetics
Classification: Uncertain significance for Inborn genetic diseases. Last evaluated: 2023-12-14. Review status: criteria provided, single submitter. Criteria: Ambry Variant Classification Scheme 2023. Collection method: clinical testing. Allele origin: germline.

PreventionGenetics, part of Exact Sciences
Classification: Uncertain significance for CUBN-related condition. Last evaluated: 2023-02-16. Review status: criteria provided, single submitter. Criteria: ACMG Guidelines, 2015. Collection method: clinical testing. Allele origin: germline.
Comment: The CUBN c.2845C>T variant is predicted to result in the amino acid substitution p.Pro949Ser. To our knowledge, this variant has not been reported in the literature. This variant is reported in 0.040% of alleles in individuals of African descent in gnomAD. At this time, the clinical significance of this variant is uncertain due to the absence of conclusive functional and genetic evidence.

NM_001081.4(CUBN):c.2845C>T (p.Pro949Ser)

Gene: CUBN (cubilin; minus strand). Cytogenetic location: 10p13.
Variant type: single nucleotide variant.
Coding change: c.2845C>T on transcript NM_001081.4 (MANE Select); coding-DNA position 2845, C replaced by T.
Protein change: p.Pro949Ser; replaces proline 949 with serine.
Molecular consequence: missense variant.
Genome position (GRCh38, 1-based): chr10:17,068,227, G>A on the plus strand (C>T on the coding strand, the complement: CUBN is on the minus strand). VCF-style: chr10-17068227-G-A. GRCh37 (hg19) VCF-style: chr10-17110226-G-A.
Other names: short protein forms P949S.
Identifiers: ClinVar variation 2634353 (VCV002634353.3), dbSNP rs376657324, ClinGen allele CA5424843.